The following is an entry in ClinVar:

ClinVar aggregate classification (germline): Uncertain significance (1 of 4 stars; one submission).

Conditions:
Inborn genetic diseases. Identifiers: MedGen C0950123, MeSH D030342.

Submission:

Ambry Genetics
Classification: Uncertain significance for Inborn genetic diseases. Last evaluated: 2024-11-25. Review status: criteria provided, single submitter. Criteria: Ambry Variant Classification Scheme 2023. Collection method: clinical testing. Allele origin: germline.
Comment: The p.S1019N variant (also known as c.3056G>A), located in coding exon 14 of the MECOM gene, results from a G to A substitution at nucleotide position 3056. The serine at codon 1019 is replaced by asparagine, an amino acid with highly similar properties. This amino acid position is conserved. In addition, this alteration is predicted to be tolerated by in silico analysis. Based on the available evidence, the clinical significance of this variant remains unclear.

NM_004991.4(MECOM):c.3056G>A (p.Ser1019Asn)

Gene: MECOM (MDS1 and EVI1 complex locus; minus strand). Cytogenetic location: 3q26.2.
Variant type: single nucleotide variant.
Coding change: c.3056G>A on transcript NM_004991.4 (MANE Select); coding-DNA position 3056, G replaced by A.
Protein change: p.Ser1019Asn; replaces serine 1019 with asparagine.
Molecular consequence: missense variant.
Genome position (GRCh38, 1-based): chr3:169,093,066, C>T on the plus strand (G>A on the coding strand, the complement: MECOM is on the minus strand). VCF-style: chr3-169093066-C-T. GRCh37 (hg19) VCF-style: chr3-168810854-C-T.
Other names: c.2687G>A, p.Ser896Asn (NM_001105077.4); c.2492G>A, p.Ser831Asn (NM_001105078.4, NM_001205194.2, NM_001366469.2 and 1 more transcripts); c.2468G>A, p.Ser823Asn (NM_001163999.2, NM_001366470.2); c.2465G>A, p.Ser822Asn (NM_001164000.2, NM_001366471.2, NM_001366472.2); c.3029G>A, p.Ser1010Asn (NM_001366466.2); c.2495G>A, p.Ser832Asn (NM_001366467.2, NM_001366468.2); c.2057G>A, p.Ser686Asn (NM_001366473.2); c.1493G>A, p.Ser498Asn (NM_001366474.2); short protein forms S498N, S686N, S822N, S823N, S831N, S832N, S896N, S1019N.
Identifiers: ClinVar variation 3394314 (VCV003394314.1).